The following is an entry in ClinVar:

ClinVar aggregate classification (germline): Conflicting classifications of pathogenicity. Review status: criteria provided, conflicting classifications (1 of 4 stars). 2 submissions from 2 submitters: Likely pathogenic (1); Uncertain significance (1). Last evaluated 2026-09-17.

Conditions:
Atypical hemolytic-uremic syndrome. Identifiers: Orphanet 2134, MedGen C2931788, MONDO:0016244.

Allele frequency attached by ClinVar (database versions not stated): gnomAD exomes below 0.00001; ExAC 0.00001; TOPMed 0.00001.
gnomAD v4.1: 5 of 1,614,070 alleles (0.00031%); highest among the groups gnomAD compares: Admixed American, 0.0067%; no homozygotes.

Submissions (2):

Genomenon, Inc
Classification: Likely pathogenic for Atypical hemolytic-uremic syndrome. Last evaluated: 2026-09-17. Review status: criteria provided, single submitter. Criteria: Genomenon Sequence Variant Interpretation Standards - Updated. Collection method: curation. Allele origin: germline. Affected: yes.
Comment: CFI p.Glu548Gly (c.1643A>G) is a missense variant that changes the amino acid at codon 548 from Glutamic acid to Glycine. This variant has been observed in at least one proband affected with atypical hemolytic-uremic syndrome (PMID:39081726). This variant is located in a mutational hotspot and/or important functional domain. It is absent or not present at a significant frequency in gnomAD. In silico models predict that this variant is possibly or probably damaging. In conclusion, we classify CFI p.Glu548Gly (c.1643A>G) as a likely pathogenic variant.

Labcorp Genetics (formerly Invitae), Labcorp
Classification: Uncertain significance. Last evaluated: 2025-05-30. Review status: criteria provided, single submitter. Criteria: Invitae Variant Classification Sherloc (09022015). Collection method: clinical testing. Allele origin: germline.
Comment: This sequence change replaces glutamic acid, which is acidic and polar, with glycine, which is neutral and non-polar, at codon 548 of the CFI protein (p.Glu548Gly). This variant is present in population databases (rs771446070, gnomAD 0.006%). This variant has not been reported in the literature in individuals affected with CFI-related conditions. ClinVar contains an entry for this variant (Variation ID: 2910185). Invitae Evidence Modeling of protein sequence and biophysical properties (such as structural, functional, and spatial information, amino acid conservation, physicochemical variation, residue mobility, and thermodynamic stability) indicates that this missense variant is expected to disrupt CFI protein function with a positive predictive value of 80%. In summary, the available evidence is currently insufficient to determine the role of this variant in disease. Therefore, it has been classified as a Variant of Uncertain Significance.

Literature cited by the submitters: PubMed 39081726 (cited by Genomenon, Inc).

NM_000204.5(CFI):c.1643A>G (p.Glu548Gly)

Gene: CFI (complement factor I; minus strand). Cytogenetic location: 4q25.
Variant type: single nucleotide variant.
Coding change: c.1643A>G on transcript NM_000204.5 (MANE Select); coding-DNA position 1643, A replaced by G.
Protein change: p.Glu548Gly; replaces glutamic acid 548 with glycine.
Molecular consequence: missense variant. On other transcripts: non-coding transcript variant (3), intron variant (5).
Genome position (GRCh38, 1-based): chr4:109,741,002, T>C on the plus strand (A>G on the coding strand, the complement: CFI is on the minus strand). VCF-style: chr4-109741002-T-C. GRCh37 (hg19) VCF-style: chr4-110662158-T-C.
Other names: c.1667A>G, p.Glu556Gly (NM_001318057.2); c.1622A>G, p.Glu541Gly (NM_001331035.2); c.1586A>G, p.Glu529Gly (NM_001375283.1); c.1034A>G, p.Glu345Gly (NM_001375284.1); c.1513+1489A>G (NM_001375282.1, NM_001375280.1); c.1534+1489A>G (NM_001375281.1, NM_001375279.1); c.1558+1489A>G (NM_001375278.1); short protein forms E345G, E541G, E529G, E548G, E556G.
Identifiers: ClinVar variation 2910185 (VCV002910185.5), dbSNP rs771446070, ClinGen allele CA3041848.